The following is an entry in ClinVar:

ClinVar aggregate classification (germline): Uncertain significance (1 of 4 stars; one submission).

Submission:

Labcorp Genetics (formerly Invitae), Labcorp
Classification: Uncertain significance. Last evaluated: 2022-11-22. Review status: criteria provided, single submitter. Criteria: Invitae Variant Classification Sherloc (09022015). Collection method: clinical testing. Allele origin: germline.
Comment: This sequence change creates a premature translational stop signal (p.His560Glyfs*15) in the FUK gene. It is expected to result in an absent or disrupted protein product. However, the current clinical and genetic evidence is not sufficient to establish whether loss-of-function variants in FUK cause disease. This variant is not present in population databases (gnomAD no frequency). This variant has not been reported in the literature in individuals affected with FUK-related conditions. In summary, the available evidence is currently insufficient to determine the role of this variant in disease. Therefore, it has been classified as a Variant of Uncertain Significance.

NM_145059.3(FCSK):c.1673_1674insAC (p.His560fs)

Gene: FCSK (fucose kinase; plus strand). Cytogenetic location: 16q22.1.
Variant type: Insertion.
Coding change: c.1673_1674insAC on transcript NM_145059.3 (MANE Select); coding-DNA positions 1673 to 1674, AC inserted.
Protein change: p.His560fs; shifts the reading frame from histidine 560.
Molecular consequence: frameshift variant.
Genome position: GRCh38 VCF-style: chr16-70473248-G-GCA. GRCh37 (hg19) VCF-style: chr16-70507151-G-GCA.
Other names: short protein forms H560fs.
Identifiers: ClinVar variation 2814575 (VCV002814575.3), dbSNP rs2507436431, ClinGen allele CA2739266879.